The following is an entry in ClinVar:

ClinVar aggregate classification (germline): Uncertain significance (1 of 4 stars; one submission).

Conditions:
Catecholaminergic polymorphic ventricular tachycardia 1. Also called: VENTRICULAR TACHYCARDIA, CATECHOLAMINERGIC POLYMORPHIC, 1, WITH OR WITHOUT ATRIAL DYSFUNCTION AND/OR DILATED CARDIOMYOPATHY; RYR2-Related Catecholaminergic Polymorphic Ventricular Tachycardia; VENTRICULAR TACHYCARDIA, STRESS-INDUCED POLYMORPHIC 1. Identifiers: Orphanet 3286, MedGen C1631597, MONDO:0011484, OMIM 604772.

gnomAD v4.1: 3 of 1,612,494 alleles (0.00019%); highest among the groups gnomAD compares: East Asian, 0.0022%; no homozygotes.

Submission:

Labcorp Genetics (formerly Invitae), Labcorp
Classification: Uncertain significance for Catecholaminergic polymorphic ventricular tachycardia 1. Last evaluated: 2025-11-17. Review status: criteria provided, single submitter. Criteria: Invitae Variant Classification Sherloc (09022015). Collection method: clinical testing. Allele origin: germline.
Comment: This sequence change replaces alanine, which is neutral and non-polar, with threonine, which is neutral and polar, at codon 3794 of the RYR2 protein (p.Ala3794Thr). This variant is present in population databases (no rsID available, gnomAD 0.006%). This variant has not been reported in the literature in individuals affected with RYR2-related conditions. Invitae Evidence Modeling of protein sequence and biophysical properties (such as structural, functional, and spatial information, amino acid conservation, physicochemical variation, residue mobility, and thermodynamic stability) indicates that this missense variant is not expected to disrupt RYR2 protein function with a negative predictive value of 95%. In summary, the available evidence is currently insufficient to determine the role of this variant in disease. Therefore, it has been classified as a Variant of Uncertain Significance.

NM_001035.3(RYR2):c.11380G>A (p.Ala3794Thr)

Gene: RYR2 (ryanodine receptor 2; plus strand). Cytogenetic location: 1q43.
Variant type: single nucleotide variant.
Coding change: c.11380G>A on transcript NM_001035.3 (MANE Select); coding-DNA position 11380, G replaced by A.
Protein change: p.Ala3794Thr; replaces alanine 3794 with threonine.
Molecular consequence: missense variant.
Genome position (GRCh38, 1-based): chr1:237,759,830, G>A. VCF-style: chr1-237759830-G-A. GRCh37 (hg19) VCF-style: chr1-237923130-G-A.
Other names: short protein forms A3794T.
Identifiers: ClinVar variation 4752144 (VCV004752144.1).